The following is an entry in ClinVar:

ClinVar aggregate classification (germline): Uncertain significance (1 of 4 stars; one submission).

Conditions:
TERT-related disorder. Also called: TERT-related condition; TERT-related disorders.

Allele frequency attached by ClinVar (database versions not stated): gnomAD exomes below 0.00001; gnomAD 0.00001; TOPMed 0.00001.

Submission:

PreventionGenetics, part of Exact Sciences
Classification: Uncertain significance for TERT-related condition. Last evaluated: 2023-10-01. Review status: criteria provided, single submitter. Criteria: ACMG Guidelines, 2015. Collection method: clinical testing. Allele origin: germline.
Comment: The TERT c.2539G>A variant is predicted to result in the amino acid substitution p.Gly847Ser. This variant has been observed in a cohort of subjects with germline variants in TERT and other genes who were also evaluated for the presence or absence of TERT promoter somatic variant(s) (Table S1, Maryoung et al. 2017. PubMed ID: 28192371). This variant was also identified in an individual from a cohort of patients with myelodysplastic syndrome (MDS) (Reilly et al. 2021. PubMed ID: 34019641) and an individual from a cohort of patients with telomerase variants who underwent lung transplant (Table S1, Tokman et al. 2015. PubMed ID: 26169663). This variant is reported in 0.0065% of alleles in individuals of European (Non-Finnish) descent in gnomAD. Although we suspect that this variant may be pathogenic, at this time, the clinical significance of this variant is uncertain due to the absence of conclusive functional and genetic evidence.

NM_198253.3(TERT):c.2539G>A (p.Gly847Ser)

Gene: TERT (telomerase reverse transcriptase; minus strand). Cytogenetic location: 5p15.33.
Variant type: single nucleotide variant.
Coding change: c.2539G>A on transcript NM_198253.3 (MANE Select); coding-DNA position 2539, G replaced by A.
Protein change: p.Gly847Ser; replaces glycine 847 with serine.
Molecular consequence: missense variant. On other transcripts: non-coding transcript variant (2).
Genome position (GRCh38, 1-based): chr5:1,268,563, C>T on the plus strand (G>A on the coding strand, the complement: TERT is on the minus strand). VCF-style: chr5-1268563-C-T. GRCh37 (hg19) VCF-style: chr5-1268678-C-T.
Other names: c.2539G>A, p.Gly847Ser (NM_001193376.3, NM_003219.1); short protein forms G847S.
Identifiers: ClinVar variation 2631048 (VCV002631048.1), dbSNP rs1405709271, ClinGen allele CA359074528.